The following is an entry in ClinVar:

ClinVar aggregate classification (germline): Uncertain significance. Review status: criteria provided, single submitter (1 of 4 stars). 2 submissions from 2 submitters: Uncertain significance (1). 1 of the submissions does not count toward it. Last evaluated 2022-07-15.

Conditions:
Neu-Laxova syndrome 2. Identifiers: Orphanet 2671, Orphanet 583602, MedGen C4015019, MONDO:0014466, OMIM 616038.

Allele frequency attached by ClinVar (database versions not stated): TOPMed below 0.00001; ExAC 0.00001; gnomAD exomes 0.00001.
gnomAD v4.1: 8 of 1,613,568 alleles (0.0005%); highest among the groups gnomAD compares: Admixed American, 0.005%; no homozygotes.

Submissions (2):

Labcorp Genetics (formerly Invitae), Labcorp
Classification: Uncertain significance for Neu-Laxova syndrome 2. Last evaluated: 2022-07-15. Review status: criteria provided, single submitter. Criteria: Invitae Variant Classification Sherloc (09022015). Collection method: clinical testing. Allele origin: germline.
Comment: This sequence change replaces glutamine, which is neutral and polar, with glutamic acid, which is acidic and polar, at codon 276 of the PSAT1 protein (p.Gln276Glu). In summary, the available evidence is currently insufficient to determine the role of this variant in disease. Therefore, it has been classified as a Variant of Uncertain Significance. Experimental studies have shown that this missense change does not substantially affect PSAT1 function (PMID: 32077105). Algorithms developed to predict the effect of missense changes on protein structure and function (SIFT, PolyPhen-2, Align-GVGD) all suggest that this variant is likely to be tolerated. ClinVar contains an entry for this variant (Variation ID: 976959). This variant has not been reported in the literature in individuals affected with PSAT1-related conditions. This variant is present in population databases (rs748962329, gnomAD 0.006%).

Dudley Research Group, Pacific Northwest Research Institute
No classification provided. Review status: no classification provided. Collection method: research, in vivo. Allele origin: unknown, not applicable. Functional consequence: functionally_normal. Not counted in ClinVar's aggregate classification.

Literature cited by the submitters: PubMed 32077105 (cited by Labcorp Genetics (formerly Invitae), Labcorp).

NM_058179.4(PSAT1):c.826C>G (p.Gln276Glu)

Gene: PSAT1 (phosphoserine aminotransferase 1; plus strand). Cytogenetic location: 9q21.2.
Variant type: single nucleotide variant.
Coding change: c.826C>G on transcript NM_058179.4 (MANE Select); coding-DNA position 826, C replaced by G.
Protein change: p.Gln276Glu; replaces glutamine 276 with glutamic acid.
Molecular consequence: missense variant.
Genome position (GRCh38, 1-based): chr9:78,317,761, C>G. VCF-style: chr9-78317761-C-G. GRCh37 (hg19) VCF-style: chr9-80932677-C-G.
Other names: c.826C>G, p.Gln276Glu (NM_021154.5); short protein forms Q276E.
Identifiers: ClinVar variation 976959 (VCV000976959.8), dbSNP rs748962329, ClinGen allele CA5095737.